The following is an entry in ClinVar:

ClinVar aggregate classification (germline): Uncertain significance (1 of 4 stars; one submission).

Allele frequency attached by ClinVar (database versions not stated): ExAC 0.00001.
gnomAD v4.1: 12 of 1,614,166 alleles (0.00074%); highest among the groups gnomAD compares: African/African-American, 0.0013%; no homozygotes.

Submission:

GeneDx
Classification: Uncertain significance. Last evaluated: 2022-12-30. Review status: criteria provided, single submitter. Criteria: GeneDx Variant Classification Process June 2021. Collection method: clinical testing. Allele origin: germline. Affected: yes.
Comment: Not observed at significant frequency in large population cohorts (gnomAD); In silico analysis supports that this missense variant has a deleterious effect on protein structure/function; Has not been previously published as pathogenic or benign to our knowledge

NM_006929.5(SKIC2):c.3533G>C (p.Arg1178Pro)

Gene: SKIC2 (SKI2 subunit of superkiller complex; plus strand). Cytogenetic location: 6p21.33.
Variant type: single nucleotide variant.
Coding change: c.3533G>C on transcript NM_006929.5 (MANE Select); coding-DNA position 3533, G replaced by C.
Protein change: p.Arg1178Pro; replaces arginine 1178 with proline.
Molecular consequence: missense variant.
Genome position (GRCh38, 1-based): chr6:31,969,413, G>C. VCF-style: chr6-31969413-G-C. GRCh37 (hg19) VCF-style: chr6-31937190-G-C.
Other names: short protein forms R1178P.
Identifiers: ClinVar variation 2507358 (VCV002507358.1), dbSNP rs762135217, ClinGen allele CA3730076.